The following is an entry in ClinVar:

ClinVar aggregate classification (germline): Pathogenic (1 of 4 stars; one submission).

Conditions:
Hyperkalemic periodic paralysis. Also called: Familial hyperkalemic periodic paralysis; Gamstorp disease. Identifiers: Orphanet 682, MedGen C0238357, MONDO:0008224, OMIM 170500, HP:0007215.

Submission:

Labcorp Genetics (formerly Invitae), Labcorp
Classification: Pathogenic for Hyperkalemic periodic paralysis. Last evaluated: 2025-08-17. Review status: criteria provided, single submitter. Criteria: Invitae Variant Classification Sherloc (09022015). Collection method: clinical testing. Allele origin: germline.
Comment: This sequence change creates a premature translational stop signal (p.Val429Alafs*13) in the SCN4A gene. It is expected to result in an absent or disrupted protein product. Loss-of-function variants in SCN4A are known to be pathogenic (PMID: 26700687). This variant is not present in population databases (gnomAD no frequency). This variant has not been reported in the literature in individuals affected with SCN4A-related conditions. For these reasons, this variant has been classified as Pathogenic.

Literature cited by the submitters: PubMed 26700687.

NM_000334.4(SCN4A):c.1286del (p.Val429fs)

Gene: SCN4A (sodium voltage-gated channel alpha subunit 4; minus strand). Cytogenetic location: 17q23.3.
Variant type: Deletion.
Coding change: c.1286del on transcript NM_000334.4 (MANE Select); coding-DNA position 1286, one base deleted (T; older notation c.1286delT).
Protein change: p.Val429fs; shifts the reading frame from valine 429.
Molecular consequence: frameshift variant.
Genome position (GRCh38, 1-based): chr17:63,964,634, A deleted on the plus strand (T on the coding strand, the reverse complement: SCN4A is on the minus strand). VCF-style (leftmost placement, unchanged base first): chr17-63964633-GA-G. GRCh37 (hg19) VCF-style: chr17-62041993-GA-G.
Other names: short protein forms V429fs.
Identifiers: ClinVar variation 4725146 (VCV004725146.1).